The following is an entry in ClinVar:

ClinVar aggregate classification (germline): Uncertain significance (1 of 4 stars; one submission).

Conditions:
Hereditary cancer-predisposing syndrome. Also called: Tumor predisposition; Hereditary neoplastic syndrome; Neoplastic Syndromes, Hereditary; Hereditary Cancer Syndrome. Identifiers: Orphanet 140162, MedGen C0027672, MeSH D009386, MONDO:0015356.

gnomAD v4.1: 1 of 1,613,116 alleles (0.000062%); highest among the groups gnomAD compares: South Asian, 0.0011%; no homozygotes.

Submission:

Labcorp Genetics (formerly Invitae), Labcorp
Classification: Uncertain significance for Hereditary cancer-predisposing syndrome. Last evaluated: 2021-06-14. Review status: criteria provided, single submitter. Criteria: Invitae Variant Classification Sherloc (09022015). Collection method: clinical testing. Allele origin: germline.
Comment: This sequence change replaces leucine with proline at codon 1245 of the RAD50 protein (p.Leu1245Pro). The leucine residue is moderately conserved and there is a moderate physicochemical difference between leucine and proline. This variant is not present in population databases (ExAC no frequency). This variant has not been reported in the literature in individuals with RAD50-related conditions. Algorithms developed to predict the effect of missense changes on protein structure and function are either unavailable or do not agree on the potential impact of this missense change (SIFT: "Deleterious"; PolyPhen-2: "Probably Damaging"; Align-GVGD: "Class C0"). In summary, the available evidence is currently insufficient to determine the role of this variant in disease. Therefore, it has been classified as a Variant of Uncertain Significance.

NM_005732.4(RAD50):c.3734T>C (p.Leu1245Pro)

Genes: RAD50 (RAD50 double strand break repair protein; plus strand), TH2-LCR (Th2 cytokine locus control region; plus strand), TH2LCRR (T helper type 2 locus control region associated RNA; minus strand). Cytogenetic location: 5q31.1.
Variant type: single nucleotide variant.
Coding change: c.3734T>C on transcript NM_005732.4 (MANE Select); coding-DNA position 3734, T replaced by C.
Protein change: p.Leu1245Pro; replaces leucine 1245 with proline.
Molecular consequence: missense variant.
Genome position (GRCh38, 1-based): chr5:132,640,787, T>C. VCF-style: chr5-132640787-T-C. GRCh37 (hg19) VCF-style: chr5-131976479-T-C.
Other names: short protein forms L1245P.
Identifiers: ClinVar variation 1498572 (VCV001498572.8), dbSNP rs2149865834, ClinGen allele CA360934922.